The following is an entry in ClinVar:

NC_000001.10:g.(?_216363555)_(216363719_?)del

Gene: USH2A (usherin; minus strand). Cytogenetic location: 1q41.
Variant type: Deletion.
Identifiers: ClinVar variation 1074579 (VCV001074579.6).

ClinVar aggregate classification (germline): Pathogenic (1 of 4 stars; one submission).

Submission:

Labcorp Genetics (formerly Invitae), Labcorp
Classification: Pathogenic. Last evaluated: 2021-08-04. Review status: criteria provided, single submitter. Criteria: Invitae Variant Classification Sherloc (09022015). Collection method: clinical testing. Allele origin: germline.
Comment: This variant is a gross deletion of the genomic region encompassing exon(s) 20 of the USH2A gene. This deletion is out-of-frame, and is expected to create a premature translational stop signal and result in an absent or disrupted protein product. Loss-of-function variants in USH2A are known to be pathogenic (PMID: 10729113, 10909849, 20507924, 25649381). A similar copy number variant has been observed in individual(s) with Usher syndrome (PMID: 25404053). For these reasons, this variant has been classified as Pathogenic.

Literature cited by the submitters: PubMed 10729113; PubMed 10909849; PubMed 20507924; PubMed 25649381; PubMed 25404053.